The following is an entry in ClinVar:

ClinVar aggregate classification (germline): Likely pathogenic (1 of 4 stars; one submission).

Conditions:
Myofibrillar myopathy 5. Also called: Filaminopathy (type); FILAMINOPATHY, AUTOSOMAL DOMINANT. Identifiers: Orphanet 171445, MedGen C1836050, MONDO:0012289, OMIM 609524.
Hypertrophic cardiomyopathy 26. Also called: Cardiomyopathy, familial hypertrophic, 26. Identifiers: Orphanet 75249, MedGen C4310749, MONDO:0014883, OMIM 617047.
Distal myopathy with posterior leg and anterior hand involvement. Also called: WILLIAMS DISTAL MYOPATHY. Identifiers: Orphanet 63273, MedGen C3279722, MONDO:0013550, OMIM 614065.

Submission:

Labcorp Genetics (formerly Invitae), Labcorp
Classification: Likely pathogenic for Distal myopathy with posterior leg and anterior hand involvement; Myofibrillar myopathy 5; Hypertrophic cardiomyopathy 26. Last evaluated: 2026-01-19. Review status: criteria provided, single submitter. Criteria: Invitae Variant Classification Sherloc (09022015). Collection method: clinical testing. Allele origin: germline.
Comment: This sequence change affects a donor splice site in intron 22 of the FLNC gene. It is expected to disrupt RNA splicing. Variants that disrupt the donor or acceptor splice site typically lead to a loss of protein function (PMID: 16199547), and loss-of-function variants in FLNC are known to be pathogenic (PMID: 27908349). This variant is not present in population databases (gnomAD no frequency). This variant has not been reported in the literature in individuals affected with FLNC-related conditions. ClinVar contains an entry for this variant (Variation ID: 840258). Algorithms developed to predict the effect of sequence changes on RNA splicing suggest that this variant may disrupt the consensus splice site. In summary, the currently available evidence indicates that the variant is pathogenic, but additional data are needed to prove that conclusively. Therefore, this variant has been classified as Likely Pathogenic.

Literature cited by the submitters: PubMed 16199547; PubMed 27908349.

NM_001458.5(FLNC):c.3964+1G>A

Gene: FLNC (filamin C; plus strand). Cytogenetic location: 7q32.1.
Variant type: single nucleotide variant.
Coding change: c.3964+1G>A on transcript NM_001458.5 (MANE Select); the canonical splice donor site of the intron after coding-DNA position 3964, G replaced by A.
Molecular consequence: splice donor variant.
Genome position (GRCh38, 1-based): chr7:128,846,164, G>A. VCF-style: chr7-128846164-G-A. GRCh37 (hg19) VCF-style: chr7-128486218-G-A.
Other names: c.3964+1G>A (NM_001127487.2).
Identifiers: ClinVar variation 840258 (VCV000840258.11), dbSNP rs1808557594, ClinGen allele CA369198826.